The following is an entry in ClinVar:

NM_182961.4(SYNE1):c.14978G>A (p.Ser4993Asn)

Gene: SYNE1 (spectrin repeat containing nuclear envelope protein 1; minus strand). Cytogenetic location: 6q25.2.
Variant type: single nucleotide variant.
Coding change: c.14978G>A on transcript NM_182961.4 (MANE Select); coding-DNA position 14978, G replaced by A.
Protein change: p.Ser4993Asn; replaces serine 4993 with asparagine.
Molecular consequence: missense variant.
Genome position (GRCh38, 1-based): chr6:152,326,611, C>T on the plus strand (G>A on the coding strand, the complement: SYNE1 is on the minus strand). VCF-style: chr6-152326611-C-T. GRCh37 (hg19) VCF-style: chr6-152647746-C-T.
Other names: c.14765G>A, p.Ser4922Asn (NM_033071.5); short protein forms S4922N, S4993N.
Identifiers: ClinVar variation 1969418 (VCV001969418.5), dbSNP rs2096071646, ClinGen allele CA366094123.

ClinVar aggregate classification (germline): Uncertain significance (1 of 4 stars; one submission).

Conditions:
Emery-Dreifuss muscular dystrophy 4, autosomal dominant (EDMD4). Also called: EMERY-DREIFUSS MUSCULAR DYSTROPHY 4 WITH VARIABLE FEATURES. Identifiers: Orphanet 261, MedGen C2751807, MONDO:0013071, OMIM 612998.
Autosomal recessive ataxia, Beauce type. Also called: SYNE1 Deficiency; Spinocerebellar ataxia, autosomal recessive 8; ATAXIA, RECESSIVE, OF BEAUCE; SYNE1-Related Autosomal Recessive Cerebellar Ataxia. Identifiers: Orphanet 88644, MedGen C1853116, MONDO:0012549, OMIM 610743.

Submission:

Labcorp Genetics (formerly Invitae), Labcorp
Classification: Uncertain significance for Emery-Dreifuss muscular dystrophy 4, autosomal dominant; Autosomal recessive ataxia, Beauce type. Last evaluated: 2024-04-01. Review status: criteria provided, single submitter. Criteria: Invitae Variant Classification Sherloc (09022015). Collection method: clinical testing. Allele origin: germline.
Comment: This sequence change replaces serine, which is neutral and polar, with asparagine, which is neutral and polar, at codon 4922 of the SYNE1 protein (p.Ser4922Asn). This variant is not present in population databases (gnomAD no frequency). This variant has not been reported in the literature in individuals affected with SYNE1-related conditions. ClinVar contains an entry for this variant (Variation ID: 1969418). An algorithm developed to predict the effect of missense changes on protein structure and function (PolyPhen-2) suggests that this variant is likely to be disruptive. In summary, the available evidence is currently insufficient to determine the role of this variant in disease. Therefore, it has been classified as a Variant of Uncertain Significance.